The following is an entry in ClinVar:

NM_001127222.2(CACNA1A):c.1082+308T>C

Genes: CACNA1A (calcium voltage-gated channel subunit alpha1 A; minus strand), LOC126862866 (MED14-independent group 3 enhancer GRCh37_chr19:13445719-13446918; plus strand). Cytogenetic location: 19p13.13.
Variant type: single nucleotide variant.
Coding change: c.1082+308T>C on transcript NM_001127222.2 (MANE Select); 308 bases into the intron after coding-DNA position 1082, T replaced by C.
Molecular consequence: intron variant.
Genome position (GRCh38, 1-based): chr19:13,335,498, A>G on the plus strand (T>C on the coding strand, the complement: CACNA1A is on the minus strand). VCF-style: chr19-13335498-A-G. GRCh37 (hg19) VCF-style: chr19-13446312-A-G.
Other names: c.1082+308T>C (NM_001127221.2, NM_001174080.2, NM_000068.4 and 1 more transcripts).
Identifiers: ClinVar variation 669567 (VCV000669567.1), dbSNP rs75478551, ClinGen allele CA305540710.

ClinVar aggregate classification (germline): Benign (1 of 4 stars; one submission).

Allele frequency attached by ClinVar (database versions not stated): gnomAD 0.03545 and 0.03785; 1000 Genomes Project 0.03994; TOPMed 0.04023; 1000 Genomes Project 30x 0.04372.
gnomAD v4.1: 5,342 of 152,266 alleles (3.5%); highest among the groups gnomAD compares: African/African-American, 12%; 305 homozygotes.

Submission:

GeneDx
Classification: Benign. Last evaluated: 2018-06-19. Review status: criteria provided, single submitter. Criteria: GeneDx Variant Classification (06012015). Collection method: clinical testing. Allele origin: germline. Affected: yes.
Comment: This variant is considered likely benign or benign based on one or more of the following criteria: it is a conservative change, it occurs at a poorly conserved position in the protein, it is predicted to be benign by multiple in silico algorithms, and/or has population frequency not consistent with disease.